The following is an entry in ClinVar:

NM_175571.4(GIMAP8):c.403C>A (p.Arg135=)

Gene: GIMAP8 (GTPase, IMAP family member 8; plus strand). Cytogenetic location: 7q36.1.
Variant type: single nucleotide variant.
Coding change: c.403C>A on transcript NM_175571.4 (MANE Select); coding-DNA position 403, C replaced by A.
Protein change: p.Arg135=; no amino-acid change (arginine 135 retained).
Molecular consequence: synonymous variant.
Genome position (GRCh38, 1-based): chr7:150,467,101, C>A. VCF-style: chr7-150467101-C-A. GRCh37 (hg19) VCF-style: chr7-150164189-C-A.
Identifiers: ClinVar variation 2658158 (VCV002658158.24), dbSNP rs143212982, ClinGen allele CA4563248.
Genomic context (GRCh38, chr7:150,467,101, plus strand): 5'-AAGGGCATCCAACAAGTGTTTGGAGCTGAAGCCAGGAGGCACATCATTATTGTCTTCACT[C>A]GGAAGGATGATTTGGGGGATGACTTGCTGCAAGATTTCATTGAAAAAAACAAACCTCTCA-3'
Protein context (NP_783161.1, residues 125-145): ARRHIIIVFT[Arg135=]KDDLGDDLLQ

ClinVar aggregate classification (germline): Likely benign (1 of 4 stars; one submission).

Allele frequency attached by ClinVar (database versions not stated): 1000 Genomes Project 30x 0.00250; ESP Exome Variant Server 0.00292.
gnomAD v4.1: 773 of 1,614,084 alleles (0.048%); highest among the groups gnomAD compares: African/African-American, 0.83%; 2 homozygotes.

Submission:

CeGaT Center for Human Genetics Tuebingen
Classification: Likely benign. Last evaluated: 2022-09-01. Review status: criteria provided, single submitter. Criteria: CeGaT Center For Human Genetics Tuebingen Variant Classification Criteria Version 2. Collection method: clinical testing. Allele origin: germline. Affected: yes. Observed: 1 variant allele.
Comment: GIMAP8: BP4, BP7